The following is an entry in ClinVar:

NM_005751.5(AKAP9):c.7309C>G (p.Arg2437Gly)

Gene: AKAP9 (A-kinase anchoring protein 9; plus strand). Cytogenetic location: 7q21.2.
Variant type: single nucleotide variant.
Coding change: c.7309C>G on transcript NM_005751.5 (MANE Select); coding-DNA position 7309, C replaced by G.
Protein change: p.Arg2437Gly; replaces arginine 2437 with glycine.
Molecular consequence: missense variant.
Genome position (GRCh38, 1-based): chr7:92,079,442, C>G. VCF-style: chr7-92079442-C-G. GRCh37 (hg19) VCF-style: chr7-91708756-C-G.
Other names: c.1954C>G, p.Arg652Gly (NM_001379277.1); c.7285C>G, p.Arg2429Gly (NM_147185.3); short protein forms R652G, R2429G, R2437G.
Identifiers: ClinVar variation 1758231 (VCV001758231.2), dbSNP rs772366481, ClinGen allele CA368135450.
Genomic context (GRCh38, chr7:92,079,442, plus strand): 5'-AAAGAAACCAATTTTAAAATGAATCAGCTAACACAGGAATTATTCAGCTTAAAGAGAGAA[C>G]GTGAAAGTGTGGAAAAGATTCAAAGCATACCAGAGAATAGTGTTAACGTGGCTATAGATC-3'
Protein context (NP_005742.4, residues 2427-2447): TQELFSLKRE[Arg2437Gly]ESVEKIQSIP

ClinVar aggregate classification (germline): Uncertain significance (1 of 4 stars; one submission).

Conditions:
Cardiovascular phenotype. Identifiers: MedGen CN230736.

gnomAD v4.1: 2 of 1,613,940 alleles (0.00012%); highest among the groups gnomAD compares: Non-Finnish European, 0.000085%; no homozygotes.

Submission:

Ambry Genetics
Classification: Uncertain significance for Cardiovascular phenotype. Last evaluated: 2021-08-31. Review status: criteria provided, single submitter. Criteria: Ambry Variant Classification Scheme 2023. Collection method: clinical testing. Allele origin: germline.
Comment: The p.R2437G variant (also known as c.7309C>G), located in coding exon 31 of the AKAP9 gene, results from a C to G substitution at nucleotide position 7309. The arginine at codon 2437 is replaced by glycine, an amino acid with dissimilar properties. This amino acid position is conserved. In addition, this alteration is predicted to be tolerated by in silico analysis. Since supporting evidence is limited at this time, the clinical significance of this alteration remains unclear.